The following is an entry in ClinVar:

ClinVar aggregate classification (germline): Likely pathogenic (1 of 4 stars; one submission).

Conditions:
Nemaline myopathy 2 (NEM2). Also called: Nemaline myopathy 2, autosomal recessive. Identifiers: MedGen C1850569, MONDO:0009725, OMIM 256030.

Submission:

Labcorp Genetics (formerly Invitae), Labcorp
Classification: Likely pathogenic for Nemaline myopathy 2. Last evaluated: 2024-02-17. Review status: criteria provided, single submitter. Criteria: Invitae Variant Classification Sherloc (09022015). Collection method: clinical testing. Allele origin: germline.
Comment: This sequence change affects an acceptor splice site in intron 146 of the NEB gene. It is expected to disrupt RNA splicing. Variants that disrupt the donor or acceptor splice site typically lead to a loss of protein function (PMID: 16199547), and loss-of-function variants in NEB are known to be pathogenic (PMID: 25205138). This variant is not present in population databases (gnomAD no frequency). This variant has not been reported in the literature in individuals affected with NEB-related conditions. Algorithms developed to predict the effect of sequence changes on RNA splicing suggest that this variant may disrupt the consensus splice site. In summary, the currently available evidence indicates that the variant is pathogenic, but additional data are needed to prove that conclusively. Therefore, this variant has been classified as Likely Pathogenic.

Literature cited by the submitters: PubMed 16199547; PubMed 25205138.

NM_001164508.2(NEB):c.21631-1G>C

Genes: NEB (nebulin; minus strand), RIF1 (replication timing regulatory factor 1; plus strand). Cytogenetic location: 2q23.3.
Variant type: single nucleotide variant.
Coding change: c.21631-1G>C on transcript NM_001164508.2 (MANE Select); the canonical splice acceptor site of the intron before coding-DNA position 21631, G replaced by C.
Molecular consequence: splice acceptor variant.
Genome position (GRCh38, 1-based): chr2:151,529,315, C>G on the plus strand (G>C on the coding strand, the complement: NEB is on the minus strand). VCF-style: chr2-151529315-C-G. GRCh37 (hg19) VCF-style: chr2-152385829-C-G.
Other names: c.16528-1G>C (NM_004543.5); c.21631-1G>C (NM_001164507.2); c.21736-1G>C (NM_001271208.2).
Identifiers: ClinVar variation 3640020 (VCV003640020.2).